The following is an entry in ClinVar:

ClinVar aggregate classification (germline): Uncertain significance (1 of 4 stars; one submission).

gnomAD v4.1: 7 of 1,613,684 alleles (0.00043%); highest among the groups gnomAD compares: Middle Eastern, 0.017%; no homozygotes.

Submission:

GeneDx
Classification: Uncertain significance. Last evaluated: 2024-12-18. Review status: criteria provided, single submitter. Criteria: GeneDx Variant Classification Process June 2021. Collection method: clinical testing. Allele origin: germline. Affected: yes.
Comment: Not observed at significant frequency in large population cohorts (gnomAD); In silico analysis indicates that this missense variant does not alter protein structure/function; Has not been previously published as pathogenic or benign to our knowledge

NM_004447.6(EPS8):c.728A>G (p.Gln243Arg)

Gene: EPS8 (EGFR pathway substrate 8, signaling adaptor; minus strand). Cytogenetic location: 12p12.3.
Variant type: single nucleotide variant.
Coding change: c.728A>G on transcript NM_004447.6 (MANE Select); coding-DNA position 728, A replaced by G.
Protein change: p.Gln243Arg; replaces glutamine 243 with arginine.
Molecular consequence: missense variant. On other transcripts: non-coding transcript variant (2).
Genome position (GRCh38, 1-based): chr12:15,665,764, T>C on the plus strand (A>G on the coding strand, the complement: EPS8 is on the minus strand). VCF-style: chr12-15665764-T-C. GRCh37 (hg19) VCF-style: chr12-15818698-T-C.
Other names: c.728A>G, p.Gln243Arg (NM_001413831.1, NM_001413832.1, NM_001413833.1 and 3 more transcripts); c.488A>G, p.Gln163Arg (NM_001413835.1, NM_001413836.1); c.311A>G, p.Gln104Arg (NM_001413837.1); short protein forms Q104R, Q163R, Q243R.
Identifiers: ClinVar variation 3906638 (VCV003906638.1).
Genomic context (GRCh38, chr12:15,665,764, plus strand): 5'-TGTCCCAACCCAAAGTAAGTGTTCAATAAGTATTAATTCTAGGAAGACTCACAGTCCCCT[T>C]GGTCGGCTGCCCATGCAGACCAGGCTGCCACTCGACTTCTAACATCCACCTGGGTGACGG-3'
Protein context (NP_004438.3, residues 233-253): VAAWSAWAAD[Gln243Arg]GDFEKPRQYH